The following is an entry in ClinVar:

ClinVar aggregate classification (germline): Likely benign. Review status: criteria provided, multiple submitters, no conflicts (2 of 4 stars). 2 submissions from 2 submitters: Likely benign (2). Last evaluated 2024-11-29.

Allele frequency attached by ClinVar (database versions not stated): TOPMed 0.00003; gnomAD 0.00004; ExAC 0.00007; ESP Exome Variant Server 0.00008; gnomAD exomes 0.00017.
gnomAD v4.1: 246 of 1,613,642 alleles (0.015%); highest among the groups gnomAD compares: Non-Finnish European, 0.02%; no homozygotes.

Submissions (2):

Labcorp Genetics (formerly Invitae), Labcorp
Classification: Likely benign. Last evaluated: 2024-11-29. Review status: criteria provided, single submitter. Criteria: Invitae Variant Classification Sherloc (09022015). Collection method: clinical testing. Allele origin: germline.

Mayo Clinic Laboratories, Mayo Clinic
Classification: Likely benign. Last evaluated: 2024-11-13. Review status: criteria provided, single submitter. Criteria: ACMG Guidelines, 2015. Collection method: clinical testing. Allele origin: germline. Observed: 1 variant allele.
Comment: BP4, BP7

NM_016529.6(ATP8A2):c.2073C>T (p.Ile691=)

Gene: ATP8A2 (ATPase phospholipid transporting 8A2). Cytogenetic location: 13q12.13.
Variant type: single nucleotide variant.
Coding change: c.2073C>T on transcript NM_016529.6 (MANE Select); coding-DNA position 2073, C replaced by T.
Protein change: p.Ile691=; no amino-acid change (isoleucine 691 retained).
Molecular consequence: synonymous variant.
Genome position (GRCh38, 1-based): chr13:25,581,884, C>T. VCF-style: chr13-25581884-C-T. GRCh37 (hg19) VCF-style: chr13-26156022-C-T.
Other names: p.Ile691=; c.1953C>T, p.Ile651= (NM_001313741.1).
Identifiers: ClinVar variation 1586463 (VCV001586463.9), dbSNP rs201825225, ClinGen allele CA6923178.